The following is an entry in ClinVar:

ClinVar aggregate classification (germline): Conflicting classifications of pathogenicity. Review status: criteria provided, conflicting classifications (1 of 4 stars). 5 submissions from 5 submitters: Uncertain significance (4); Likely benign (1). Last evaluated 2025-05-13.

Conditions:
Hereditary cancer-predisposing syndrome. Also called: Hereditary neoplastic syndrome; Hereditary Cancer Syndrome; Neoplastic Syndromes, Hereditary; Tumor predisposition. Identifiers: Orphanet 140162, MedGen C0027672, MeSH D009386, MONDO:0015356.
Breast-ovarian cancer, familial, susceptibility to, 2 (BROVCA2). Also called: BRCA2 Hereditary Breast and Ovarian Cancer. Identifiers: Orphanet 145, MedGen C2675520, MONDO:0012933, OMIM 612555. Disease mechanism: loss of function.
Hereditary breast ovarian cancer syndrome. Also called: Hereditary breast and ovarian cancer syndrome; BRCA1- and BRCA2-Associated Hereditary Breast and Ovarian Cancer; Hereditary breast and/or ovarian cancer syndrome; Hereditary breast and ovarian cancer; Breast and ovarian cancer; Hereditary breast and ovarian cancer syndrome (HBOC). Identifiers: Orphanet 145, MedGen C0677776, MeSH D061325, MONDO:0003582. Disease mechanism: loss of function.

Submissions (5):

Ambry Genetics
Classification: Uncertain significance for Hereditary cancer-predisposing syndrome. Last evaluated: 2025-05-13. Review status: criteria provided, single submitter. Criteria: Ambry Variant Classification Scheme 2023. Collection method: clinical testing. Allele origin: germline.
Comment: The p.S384C variant (also known as c.1151C>G), located in coding exon 9 of the BRCA2 gene, results from a C to G substitution at nucleotide position 1151. The serine at codon 384 is replaced by cysteine, an amino acid with dissimilar properties. This amino acid position is not well conserved in available vertebrate species. In addition, this alteration is predicted to be tolerated by in silico analysis. Based on the available evidence, the clinical significance of this variant remains unclear.

Labcorp Genetics (formerly Invitae), Labcorp
Classification: Uncertain significance for Hereditary breast ovarian cancer syndrome. Last evaluated: 2023-08-27. Review status: criteria provided, single submitter. Criteria: Invitae Variant Classification Sherloc (09022015). Collection method: clinical testing. Allele origin: germline.
Comment: In summary, the available evidence is currently insufficient to determine the role of this variant in disease. Therefore, it has been classified as a Variant of Uncertain Significance. Advanced modeling of protein sequence and biophysical properties (such as structural, functional, and spatial information, amino acid conservation, physicochemical variation, residue mobility, and thermodynamic stability) performed at Invitae indicates that this missense variant is not expected to disrupt BRCA2 protein function. ClinVar contains an entry for this variant (Variation ID: 422677). This variant has not been reported in the literature in individuals affected with BRCA2-related conditions. This variant is not present in population databases (gnomAD no frequency). This sequence change replaces serine, which is neutral and polar, with cysteine, which is neutral and slightly polar, at codon 384 of the BRCA2 protein (p.Ser384Cys).

University of Washington Department of Laboratory Medicine, University of Washington
Classification: Likely benign for Hereditary cancer-predisposing syndrome. Last evaluated: 2023-03-23. Review status: criteria provided, single submitter. Criteria: Dines et al. (Genet Med. 2020). Collection method: curation. Allele origin: germline.
Comment: Missense variant in a coldspot region where missense variants are very unlikely to be pathogenic (PMID:31911673).

BRCA2 exon 10 coldspot. Reclassification based on statistical prior probability.

GeneDx
Classification: Uncertain significance. Last evaluated: 2017-11-08. Review status: criteria provided, single submitter. Criteria: GeneDx Variant Classification (06012015). Collection method: clinical testing. Allele origin: germline. Affected: yes.
Comment: This variant is denoted BRCA2 c.1151C>G at the cDNA level, p.Ser384Cys (S384C) at the protein level, and results in the change of a Serine to a Cysteine (TCC>TGC). Using alternate nomenclature, this variant would be defined as BRCA2 1379C>G. This variant has not, to our knowledge, been published in the literature as pathogenic or benign. BRCA2 Ser384Cys was not observed in large population cohorts (Lek 2016). Since Serine and Cysteine differ in polarity, charge, size or other properties, this is considered a non-conservative amino acid substitution. BRCA2 Ser384Cys occurs at a position that is not conserved and is not located in a known functional domain. In silico analyses predict that this variant is unlikely to alter protein structure or function. Based on currently available evidence, it is unclear whether BRCA2 Ser384Cys is a pathogenic or benign variant. We consider it to be a variant of uncertain significance.

Molecular Endocrinology Laboratory, Christian Medical College
Classification: Uncertain significance for Breast-ovarian cancer, familial, susceptibility to, 2. Review status: criteria provided, single submitter. Criteria: ACMG Guidelines, 2015. Collection method: clinical testing. Allele origin: germline. Affected: yes.

NM_000059.4(BRCA2):c.1151C>G (p.Ser384Cys)

Gene: BRCA2 (BRCA2 DNA repair associated; plus strand). Cytogenetic location: 13q13.1.
Variant type: single nucleotide variant.
Coding change: c.1151C>G on transcript NM_000059.4 (MANE Select); coding-DNA position 1151, C replaced by G.
Protein change: p.Ser384Cys; replaces serine 384 with cysteine.
Molecular consequence: missense variant.
Genome position (GRCh38, 1-based): chr13:32,332,629, C>G. VCF-style: chr13-32332629-C-G. GRCh37 (hg19) VCF-style: chr13-32906766-C-G.
Other names: short protein forms S384C.
Identifiers: ClinVar variation 422677 (VCV000422677.15), dbSNP rs41293475, ClinGen allele CA16619653.